The following is an entry in ClinVar:

NM_012463.4(ATP6V0A2):c.406A>C (p.Lys136Gln)

Gene: ATP6V0A2 (ATPase H+ transporting V0 subunit a2; plus strand). Cytogenetic location: 12q24.31.
Variant type: single nucleotide variant.
Coding change: c.406A>C on transcript NM_012463.4 (MANE Select); coding-DNA position 406, A replaced by C.
Protein change: p.Lys136Gln; replaces lysine 136 with glutamine.
Molecular consequence: missense variant.
Genome position (GRCh38, 1-based): chr12:123,724,765, A>C. VCF-style: chr12-123724765-A-C. GRCh37 (hg19) VCF-style: chr12-124209312-A-C.
Other names: short protein forms K136Q.
Identifiers: ClinVar variation 2139984 (VCV002139984.1), dbSNP rs202106256, ClinGen allele CA387151901.

ClinVar aggregate classification (germline): Uncertain significance (1 of 4 stars; one submission).

Conditions:
ALG9 congenital disorder of glycosylation (CDG1L). Also called: CONGENITAL DISORDER OF GLYCOSYLATION, TYPE Il; ALG9-CDG; CDG Il. Identifiers: Orphanet 79328, MedGen C2931006, MONDO:0012117, OMIM 608776.

Submission:

Labcorp Genetics (formerly Invitae), Labcorp
Classification: Uncertain significance for ALG9 congenital disorder of glycosylation. Last evaluated: 2022-05-17. Review status: criteria provided, single submitter. Criteria: Invitae Variant Classification Sherloc (09022015). Collection method: clinical testing. Allele origin: germline.
Comment: This sequence change replaces lysine, which is basic and polar, with glutamine, which is neutral and polar, at codon 136 of the ATP6V0A2 protein (p.Lys136Gln). This variant is not present in population databases (gnomAD no frequency). This variant has not been reported in the literature in individuals affected with ATP6V0A2-related conditions. Algorithms developed to predict the effect of missense changes on protein structure and function output the following: SIFT: "Tolerated"; PolyPhen-2: "Benign"; Align-GVGD: "Class C0". The glutamine amino acid residue is found in multiple mammalian species, which suggests that this missense change does not adversely affect protein function. In summary, the available evidence is currently insufficient to determine the role of this variant in disease. Therefore, it has been classified as a Variant of Uncertain Significance.